The following is an entry in ClinVar:

ClinVar aggregate classification (germline): Uncertain significance. Review status: criteria provided, single submitter (1 of 4 stars). 2 submissions from 2 submitters: Uncertain significance (1). 1 of the submissions does not count toward it. Last evaluated 2024-07-02.

Conditions:
Spinocerebellar ataxia type 6 (SCA6). Identifiers: Orphanet 98758, MedGen C0752124, MONDO:0008457, OMIM 183086.

Submissions (2):

Dasa
Classification: Uncertain significance. Last evaluated: 2024-07-02. Review status: criteria provided, single submitter. Criteria: DASA Assertion Criteria. Collection method: clinical testing. Allele origin: germline.
Comment: NM_001127222.2(CACNA1A):c.2345G>C (p.Arg782Pro) is a missense variant that results in the substitution of arginine with proline. This variant has been reported in individuals with CACNA1A-related disorders (PMID: 35401678). Segregation data support an association with disease in the reported family/families (PMID: 35401678). Also, this variant is absent from population databases. The currently available literature and clinical evidence are not sufficient to establish a definitive association between this variant and the reported condition. Therefore, this variant is classified as a variant of uncertain significance.

O&I group, Department of Genetics, University Medical Center of Groningen
Classification: Likely pathogenic for Spinocerebellar ataxia type 6. Last evaluated: 2021-07-22. Review status: no assertion criteria provided. Collection method: research. Allele origin: unknown. Affected: yes. Not counted in ClinVar's aggregate classification.

Literature cited by the submitters: PubMed 35401678 (cited by Dasa); DOI 10.3389/fgene.2022.782685 (cited by O&I group, Department of Genetics, University Medical Center of Groningen).

NM_001127222.2(CACNA1A):c.2345G>C (p.Arg782Pro)

Gene: CACNA1A (calcium voltage-gated channel subunit alpha1 A; minus strand). Cytogenetic location: 19p13.13.
Variant type: single nucleotide variant.
Coding change: c.2345G>C on transcript NM_001127222.2 (MANE Select); coding-DNA position 2345, G replaced by C.
Protein change: p.Arg782Pro; replaces arginine 782 with proline.
Molecular consequence: missense variant.
Genome position (GRCh38, 1-based): chr19:13,299,288, C>G on the plus strand (G>C on the coding strand, the complement: CACNA1A is on the minus strand). VCF-style: chr19-13299288-C-G. GRCh37 (hg19) VCF-style: chr19-13410102-C-G.
Other names: c.2357G>C, p.Arg786Pro (NM_000068.4, NM_023035.3); c.2348G>C, p.Arg783Pro (NM_001127221.2, NM_001174080.2); short protein forms R782P, R783P, R786P.
Identifiers: ClinVar variation 1298302 (VCV001298302.4), dbSNP rs1233611505, ClinGen allele CA404343656.
Genomic context (GRCh38, chr19:13,299,288, plus strand): 5'-CGCTCGTCCGGGTCCATTTCGTTATACAGGGCCTCCCGGCTGGCCAGCAAGTTCTGCTTT[C>G]GCATCTCACTGGTCCGCTGCTCCCACACGGACTTGGCTGGCTTTTGATTCTTCTGTTGCT-3'
Protein context (NP_001120694.1, residues 772-792): SVWEQRTSEM[Arg782Pro]KQNLLASREA